The following is an entry in ClinVar:

NM_015443.4(KANSL1):c.286T>C (p.Leu96=)

Gene: KANSL1 (KAT8 regulatory NSL complex subunit 1). Cytogenetic location: 17q21.31.
Variant type: single nucleotide variant.
Coding change: c.286T>C on transcript NM_015443.4 (MANE Select); coding-DNA position 286, T replaced by C.
Protein change: p.Leu96=; no amino-acid change (leucine 96 retained).
Molecular consequence: synonymous variant.
Genome position (GRCh38, 1-based): chr17:46,171,858, A>G on the plus strand (T>C on the coding strand, the complement: KANSL1 is on the minus strand). VCF-style: chr17-46171858-A-G. GRCh37 (hg19) VCF-style: chr17-44249224-A-G.
Other names: c.286T>C, p.Leu96= (NM_001193465.2, NM_001193466.2, NM_001379198.1).
Identifiers: ClinVar variation 323798 (VCV000323798.39), dbSNP rs140268765, ClinGen allele CA8619078.
Genomic context (GRCh38, chr17:46,171,858, plus strand): 5'-GAGATAAGAGAGGATGAGATTTAAGGACTGTCTGCTTGCTGAAGACCCCTTGCAACTTCA[A>G]AGACTCCTTTGAGGGAACAGATGTTACATCAGAGCAGAGATAAGATGCCACCAGTGGTTG-3'
Protein context (NP_056258.1, residues 86-106): DVTSVPSKES[Leu96=]KLQGVFSKQT

ClinVar aggregate classification (germline): Benign/Likely benign. Review status: criteria provided, multiple submitters, no conflicts (2 of 4 stars). 5 submissions from 5 submitters: Benign (1); Likely benign (4). Last evaluated 2025-09-02.

Conditions:
Koolen-de Vries syndrome (KDVS). Identifiers: Orphanet 96169, MedGen C1864871, MONDO:0012496, OMIM 610443.

Allele frequency attached by ClinVar (database versions not stated): ESP Exome Variant Server 0.00008; 1000 Genomes Project 0.00020; gnomAD 0.00024 and 0.00025; gnomAD exomes 0.00024 and 0.00044; 1000 Genomes Project 30x 0.00031; ExAC 0.00031.
gnomAD v4.1: 676 of 1,613,984 alleles (0.042%); highest among the groups gnomAD compares: Non-Finnish European, 0.054%; no homozygotes.

Submissions (5):

Labcorp Genetics (formerly Invitae), Labcorp
Classification: Likely benign for Koolen-de Vries syndrome. Last evaluated: 2025-09-02. Review status: criteria provided, single submitter. Criteria: Invitae Variant Classification Sherloc (09022015). Collection method: clinical testing. Allele origin: germline.

CeGaT Center for Human Genetics Tuebingen
Classification: Likely benign. Last evaluated: 2025-09-01. Review status: criteria provided, single submitter. Criteria: CeGaT Center For Human Genetics Tuebingen Variant Classification Criteria Version 2. Collection method: clinical testing. Allele origin: germline. Affected: yes. Observed: 2 variant alleles.
Comment: KANSL1: BP4, BP7

ARUP Laboratories, Molecular Genetics and Genomics, ARUP Laboratories
Classification: Likely benign for Koolen-de Vries syndrome. Last evaluated: 2024-04-10. Review status: criteria provided, single submitter. Criteria: ARUP Molecular Germline Variant Investigation Process 2024. Collection method: clinical testing. Allele origin: germline.

Fulgent Genetics
Classification: Likely benign for Koolen-de Vries syndrome. Last evaluated: 2022-03-30. Review status: criteria provided, single submitter. Criteria: ACMG Guidelines, 2015. Collection method: clinical testing. Allele origin: unknown.

GeneDx
Classification: Benign. Last evaluated: 2018-12-31. Review status: criteria provided, single submitter. Criteria: GeneDx Variant Classification Process June 2021. Collection method: clinical testing. Allele origin: germline. Affected: yes.